The following is an entry in ClinVar:

NM_024675.4(PALB2):c.3518C>G (p.Ala1173Gly)

Gene: PALB2 (partner and localizer of BRCA2; minus strand). Cytogenetic location: 16p12.2.
Variant type: single nucleotide variant.
Coding change: c.3518C>G on transcript NM_024675.4 (MANE Select); coding-DNA position 3518, C replaced by G.
Protein change: p.Ala1173Gly; replaces alanine 1173 with glycine.
Molecular consequence: missense variant. On other transcripts: 3 prime UTR variant (5).
Genome position (GRCh38, 1-based): chr16:23,603,502, G>C on the plus strand (C>G on the coding strand, the complement: PALB2 is on the minus strand). VCF-style: chr16-23603502-G-C. GRCh37 (hg19) VCF-style: chr16-23614823-G-C.
Other names: c.3458C>G, p.Ala1153Gly (NM_001407296.1); c.3446C>G, p.Ala1149Gly (NM_001407297.1); c.3356C>G, p.Ala1119Gly (NM_001407298.1); c.3281C>G, p.Ala1094Gly (NM_001407299.1); c.3239C>G, p.Ala1080Gly (NM_001407300.1); c.*153C>G (NM_001407301.1, NM_001407302.1, NM_001407310.1 and 2 more transcripts); c.2633C>G, p.Ala878Gly (NM_001407304.1, NM_001407305.1, NM_001407306.1); c.2471C>G, p.Ala824Gly (NM_001407307.1); and 3 more; short protein forms A824G, A878G, A1080G, A1149G, A1153G, A1173G, A351G, A577G.
Identifiers: ClinVar variation 2587417 (VCV002587417.2), dbSNP rs146659762, ClinGen allele CA395137849.

ClinVar aggregate classification (germline): Uncertain significance (1 of 4 stars; one submission).

Conditions:
Hereditary cancer-predisposing syndrome. Also called: Tumor predisposition; Hereditary Cancer Syndrome; Hereditary neoplastic syndrome; Neoplastic Syndromes, Hereditary. Identifiers: Orphanet 140162, MedGen C0027672, MeSH D009386, MONDO:0015356.

Submission:

Ambry Genetics
Classification: Uncertain significance for Hereditary cancer-predisposing syndrome. Last evaluated: 2023-08-30. Review status: criteria provided, single submitter. Criteria: Ambry Variant Classification Scheme 2023. Collection method: clinical testing. Allele origin: germline.
Comment: The p.A1173G variant (also known as c.3518C>G), located in coding exon 13 of the PALB2 gene, results from a C to G substitution at nucleotide position 3518. The alanine at codon 1173 is replaced by glycine, an amino acid with similar properties. This amino acid position is highly conserved in available vertebrate species. In addition, this alteration is predicted to be tolerated by in silico analysis. Since supporting evidence is limited at this time, the clinical significance of this alteration remains unclear.